The following is an entry in ClinVar:

NM_000334.4(SCN4A):c.896C>T (p.Thr299Met)

Gene: SCN4A (sodium voltage-gated channel alpha subunit 4; minus strand). Cytogenetic location: 17q23.3.
Variant type: single nucleotide variant.
Coding change: c.896C>T on transcript NM_000334.4 (MANE Select); coding-DNA position 896, C replaced by T.
Protein change: p.Thr299Met; replaces threonine 299 with methionine.
Molecular consequence: missense variant.
Genome position (GRCh38, 1-based): chr17:63,968,163, G>A on the plus strand (C>T on the coding strand, the complement: SCN4A is on the minus strand). VCF-style: chr17-63968163-G-A. GRCh37 (hg19) VCF-style: chr17-62045523-G-A.
Other names: short protein forms T299M.
Identifiers: ClinVar variation 1810080 (VCV001810080.2), dbSNP rs370472562, ClinGen allele CA8710010.

ClinVar aggregate classification (germline): Uncertain significance. Review status: criteria provided, multiple submitters, no conflicts (2 of 4 stars). 2 submissions from 2 submitters: Uncertain significance (2). Last evaluated 2026-08-01.

Conditions:
SCN4A-related disorder. Also called: SCN4A-related disorders.

Allele frequency attached by ClinVar (database versions not stated): gnomAD exomes 0.00001; TOPMed 0.00001; gnomAD 0.00002; ExAC 0.00004; ESP Exome Variant Server 0.00008; 1000 Genomes Project 0.00020; 1000 Genomes Project 30x 0.00031.
gnomAD v4.1: 20 of 1,613,924 alleles (0.0012%); highest among the groups gnomAD compares: East Asian, 0.0045%; no homozygotes.

Submissions (2):

PreventionGenetics, part of Exact Sciences
Classification: Uncertain significance for SCN4A-related condition. Last evaluated: 2026-08-01. Review status: criteria provided, single submitter. Criteria: ACMG Guidelines, 2015. Collection method: clinical testing. Allele origin: germline.
Comment: The SCN4A c.896C>T variant is predicted to result in the amino acid substitution p.Thr299Met. To our knowledge, this variant has not been reported in the literature. This variant is reported in 0.0064% of alleles in individuals of African descent in gnomAD. At this time, the clinical significance of this variant is uncertain due to the absence of conclusive functional and genetic evidence.

GeneDx
Classification: Uncertain significance. Last evaluated: 2022-06-28. Review status: criteria provided, single submitter. Criteria: GeneDx Variant Classification Process June 2021. Collection method: clinical testing. Allele origin: germline. Affected: yes.
Comment: In silico analysis supports that this missense variant does not alter protein structure/function; Has not been previously published as pathogenic or benign to our knowledge